The following is an entry in ClinVar:

NM_001737.5(C9):c.1677del (p.Lys559fs)

Gene: C9 (complement C9; minus strand). Cytogenetic location: 5p13.1.
Variant type: Deletion.
Coding change: c.1677del on transcript NM_001737.5 (MANE Select); coding-DNA position 1677, one base deleted (A; older notation c.1677delA).
Protein change: p.Lys559fs; shifts the reading frame from lysine 559.
Molecular consequence: frameshift variant.
Genome position (GRCh38, 1-based): chr5:39,285,202, T deleted on the plus strand (A on the coding strand, the reverse complement: C9 is on the minus strand); the first of 5 consecutive T bases (chr5:39,285,202-39,285,206); deleting any one gives the same sequence. VCF-style (leftmost placement, unchanged base first): chr5-39285201-AT-A. GRCh37 (hg19) VCF-style: chr5-39285303-AT-A.
Other names: short protein forms K559fs.
Identifiers: ClinVar variation 830026 (VCV000830026.6), dbSNP rs762159491, ClinGen allele CA3246624.
Genomic context (GRCh38, chr5:39,285,201, plus strand): 5'-AGGATCTGAAGGTACTAGTGTTTTCTTCTTCCACTGGAGCTCAGAGAAGCCAACAGCTCT[AT>A]TTTTCATTGGGGAACTCTAGGGCTGGCAATCCTAGAGAAAACAAATAAGTATCAAATCTT-3'

ClinVar aggregate classification (germline): Uncertain significance. Review status: criteria provided, multiple submitters, no conflicts (2 of 4 stars). 3 submissions from 3 submitters: Uncertain significance (2). 1 of the submissions does not count toward it. Last evaluated 2023-08-02.

Conditions:
Complement component 9 deficiency (C9D). Also called: C9 deficiency. Identifiers: MedGen C3151189, MONDO:0013445, OMIM 613825.
Age related macular degeneration 15. Also called: MACULAR DEGENERATION, AGE-RELATED, 15, SUSCEPTIBILITY TO. Identifiers: MedGen C3810042, MONDO:0014266, OMIM 615591.

Submissions (3):

Labcorp Genetics (formerly Invitae), Labcorp
Classification: Uncertain significance. Last evaluated: 2023-08-02. Review status: criteria provided, single submitter. Criteria: Invitae Variant Classification Sherloc (09022015). Collection method: clinical testing. Allele origin: germline.
Comment: In summary, the available evidence is currently insufficient to determine the role of this variant in disease. Therefore, it has been classified as a Variant of Uncertain Significance. ClinVar contains an entry for this variant (Variation ID: 830026). This variant has not been reported in the literature in individuals affected with C9-related conditions. This variant is present in population databases (rs762159491, gnomAD 0.01%). This sequence change results in a frameshift in the C9 gene (p.Lys559Asnfs*44). While this is not anticipated to result in nonsense mediated decay, it is expected to disrupt the last 1 amino acid(s) of the C9 protein and extend the protein by 42 additional amino acid residues.

Fulgent Genetics
Classification: Uncertain significance for Complement component 9 deficiency; Age related macular degeneration 15. Last evaluated: 2022-04-27. Review status: criteria provided, single submitter. Criteria: ACMG Guidelines, 2015. Collection method: clinical testing. Allele origin: unknown.

Bioscientia Institut fuer Medizinische Diagnostik GmbH, Sonic Healthcare
Classification: Uncertain significance for Complement component 9 deficiency. Last evaluated: 2019-10-29. Review status: no assertion criteria provided. Collection method: clinical testing. Allele origin: germline. Affected: yes. Not counted in ClinVar's aggregate classification.